The following is an entry in ClinVar:

ClinVar aggregate classification (germline): Uncertain significance. Review status: criteria provided, multiple submitters, no conflicts (2 of 4 stars). 2 submissions from 2 submitters: Uncertain significance (2). Last evaluated 2023-08-25.

Allele frequency attached by ClinVar (database versions not stated): gnomAD exomes 0.00001.

Submissions (2):

Blueprint Genetics
Classification: Uncertain significance. Last evaluated: 2023-08-25. Review status: criteria provided, single submitter. Criteria: ACMG Guidelines, 2015. Collection method: clinical testing. Allele origin: germline.

Labcorp Genetics (formerly Invitae), Labcorp
Classification: Uncertain significance. Last evaluated: 2022-02-01. Review status: criteria provided, single submitter. Criteria: Invitae Variant Classification Sherloc (09022015). Collection method: clinical testing. Allele origin: germline.
Comment: This variant has not been reported in the literature in individuals affected with PITPNM3-related conditions. In summary, the available evidence is currently insufficient to determine the role of this variant in disease. Therefore, it has been classified as a Variant of Uncertain Significance. Algorithms developed to predict the effect of missense changes on protein structure and function are either unavailable or do not agree on the potential impact of this missense change (SIFT: "Deleterious"; PolyPhen-2: "Benign"; Align-GVGD: "Class C0"). This variant is present in population databases (no rsID available, gnomAD 0.002%). This sequence change replaces histidine, which is basic and polar, with glutamine, which is neutral and polar, at codon 922 of the PITPNM3 protein (p.His922Gln).

NM_031220.4(PITPNM3):c.2766C>A (p.His922Gln)

Gene: PITPNM3 (PITPNM family member 3; minus strand). Cytogenetic location: 17p13.2.
Variant type: single nucleotide variant.
Coding change: c.2766C>A on transcript NM_031220.4 (MANE Select); coding-DNA position 2766, C replaced by A.
Protein change: p.His922Gln; replaces histidine 922 with glutamine.
Molecular consequence: missense variant.
Genome position (GRCh38, 1-based): chr17:6,455,497, G>T on the plus strand (C>A on the coding strand, the complement: PITPNM3 is on the minus strand). VCF-style: chr17-6455497-G-T. GRCh37 (hg19) VCF-style: chr17-6358817-G-T.
Other names: c.2658C>A, p.His886Gln (NM_001165966.2); short protein forms H886Q, H922Q.
Identifiers: ClinVar variation 1362307 (VCV001362307.7), dbSNP rs1363862502, ClinGen allele CA397400202.
Genomic context (GRCh38, chr17:6,455,497, plus strand): 5'-CTCGGGCTTGGGGTTGGCGGCGGGCGGGTCGGGCTGCTGCACTGACATGGTTCTGCGCAG[G>T]TGGTTGCGCTTCCGCAGGAACTCTGGCTGCGCGTGCAGCCCGAAGCTGCCCTTGCGCAGG-3'
Protein context (NP_112497.2, residues 912-932): AQPEFLRKRN[His922Gln]LRRTMSVQQP